The following is an entry in ClinVar:

ClinVar aggregate classification (germline): Uncertain significance. Review status: criteria provided, multiple submitters, no conflicts (2 of 4 stars). 2 submissions from 2 submitters: Uncertain significance (2). Last evaluated 2023-11-17.

Conditions:
Long QT syndrome (LQTS). Identifiers: MedGen C0023976, MeSH D008133, MONDO:0002442. Disease mechanism: loss of function. Inheritance: Various modes of inheritance.

Allele frequency attached by ClinVar (database versions not stated): TOPMed below 0.00001; gnomAD exomes 0.00001 and 0.00002; ExAC 0.00002; ESP Exome Variant Server 0.00008.
gnomAD v4.1: 10 of 1,614,088 alleles (0.00062%); highest among the groups gnomAD compares: Admixed American, 0.0067%; no homozygotes.

Submissions (2):

Labcorp Genetics (formerly Invitae), Labcorp
Classification: Uncertain significance for Long QT syndrome. Last evaluated: 2023-11-17. Review status: criteria provided, single submitter. Criteria: Invitae Variant Classification Sherloc (09022015). Collection method: clinical testing. Allele origin: germline.
Comment: This sequence change replaces threonine, which is neutral and polar, with alanine, which is neutral and non-polar, at codon 527 of the ANK2 protein (p.Thr527Ala). This variant is present in population databases (rs374707634, gnomAD 0.009%). This variant has not been reported in the literature in individuals affected with ANK2-related conditions. ClinVar contains an entry for this variant (Variation ID: 190548). Advanced modeling of protein sequence and biophysical properties (such as structural, functional, and spatial information, amino acid conservation, physicochemical variation, residue mobility, and thermodynamic stability) performed at Invitae indicates that this missense variant is not expected to disrupt ANK2 protein function with a negative predictive value of 80%. In summary, the available evidence is currently insufficient to determine the role of this variant in disease. Therefore, it has been classified as a Variant of Uncertain Significance.

GeneDx
Classification: Uncertain significance. Last evaluated: 2014-05-06. Review status: criteria provided, single submitter. Criteria: GeneDx Variant Classification (06012015). Collection method: clinical testing. Allele origin: germline. Affected: yes.
Comment: p.Thr527Ala (ACT>GCT): c.1579 A>G in exon 15 of the ANK2 gene (NM_001148.4). A variant of unknown significance has been identified in the ANK2 gene. The T527A variant has not been published as a mutation, nor has it been reported as a benign polymorphism to our knowledge. The T527A variant was not observed with any significant frequency in approximately 6,500 individuals of European and African American ancestry in the NHLBI Exome Sequencing Project. The T527A variant is a non-conservative amino acid substitution, which is likely to impact secondary protein structure as these residues differ in polarity, charge, size and/or other properties. This substitution occurs at a position that is conserved across species. Nevertheless, in silico analysis is inconsistent in its predictions as to whether or not the variant is damaging to the protein structure/function. No missense mutations in nearby residues have been reported in association with LQTS, suggesting this region of the protein may be tolerant of change. Therefore, based on the currently available information, it is unclear whether this variant is a pathogenic mutation or a rare benign variant. The variant is found in POSTMORTEM panel(s).

NM_001148.6(ANK2):c.1579A>G (p.Thr527Ala)

Gene: ANK2 (ankyrin 2; plus strand). Cytogenetic location: 4q26.
Variant type: single nucleotide variant.
Coding change: c.1579A>G on transcript NM_001148.6 (MANE Select); coding-DNA position 1579, A replaced by G.
Protein change: p.Thr527Ala; replaces threonine 527 with alanine.
Molecular consequence: missense variant.
Genome position (GRCh38, 1-based): chr4:113,274,545, A>G. VCF-style: chr4-113274545-A-G. GRCh37 (hg19) VCF-style: chr4-114195701-A-G.
Other names: p.T527A:ACT>GCT; c.1516A>G, p.Thr506Ala (NM_001127493.3, NM_001354239.2, NM_001354243.2 and 14 more transcripts); c.1579A>G, p.Thr527Ala (NM_001354225.2, NM_001354228.2, NM_001354232.2 and 8 more transcripts); c.1624A>G, p.Thr542Ala (NM_001354230.2, NM_001354231.2, NM_001354237.2 and 5 more transcripts); c.1492A>G, p.Thr498Ala (NM_001354249.2, NM_001354260.2, NM_001354264.2 and 13 more transcripts); c.1537A>G, p.Thr513Ala (NM_001354261.2, NM_001386147.1, NM_001386160.1); c.1369A>G, p.Thr457Ala (NM_001354269.3); c.1381A>G, p.Thr461Ala (NM_001354273.2); and 5 more; short protein forms T506A, T527A, T432A, T461A, T542A, T498A, T513A, T457A.
Identifiers: ClinVar variation 190548 (VCV000190548.6), dbSNP rs374707634, ClinGen allele CA300800.